The following is an entry in ClinVar:

ClinVar aggregate classification (germline): Uncertain significance (1 of 4 stars; one submission).

Conditions:
Charcot-Marie-Tooth disease axonal type 2F (CMT2F). Also called: CHARCOT-MARIE-TOOTH DISEASE, NEURONAL, TYPE 2F; Charcot-Marie-Tooth Neuropathy Type 2F. Identifiers: Orphanet 99940, MedGen C1847823, MONDO:0011687, OMIM 606595.

Submission:

Labcorp Genetics (formerly Invitae), Labcorp
Classification: Uncertain significance for Charcot-Marie-Tooth disease axonal type 2F. Last evaluated: 2024-12-11. Review status: criteria provided, single submitter. Criteria: Invitae Variant Classification Sherloc (09022015). Collection method: clinical testing. Allele origin: germline.
Comment: This sequence change replaces glutamic acid, which is acidic and polar, with lysine, which is basic and polar, at codon 125 of the HSPB1 protein (p.Glu125Lys). This variant is present in population databases (rs376361593, gnomAD 0.0009%). This variant has not been reported in the literature in individuals affected with HSPB1-related conditions. Invitae Evidence Modeling of protein sequence and biophysical properties (such as structural, functional, and spatial information, amino acid conservation, physicochemical variation, residue mobility, and thermodynamic stability) has been performed for this missense variant. However, the output from this modeling did not meet the statistical confidence thresholds required to predict the impact of this variant on HSPB1 protein function. In summary, the available evidence is currently insufficient to determine the role of this variant in disease. Therefore, it has been classified as a Variant of Uncertain Significance.

NM_001540.5(HSPB1):c.373G>A (p.Glu125Lys)

Gene: HSPB1 (heat shock protein family B (small) member 1; plus strand). Cytogenetic location: 7q11.23.
Variant type: single nucleotide variant.
Coding change: c.373G>A on transcript NM_001540.5 (MANE Select); coding-DNA position 373, G replaced by A.
Protein change: p.Glu125Lys; replaces glutamic acid 125 with lysine.
Molecular consequence: missense variant.
Genome position (GRCh38, 1-based): chr7:76,303,810, G>A. VCF-style: chr7-76303810-G-A. GRCh37 (hg19) VCF-style: chr7-75933127-G-A.
Other names: short protein forms E125K.
Identifiers: ClinVar variation 3624971 (VCV003624971.2).
Genomic context (GRCh38, chr7:76,303,810, plus strand): 5'-GCCGAAAGGCAGTCCCCTCCCCCGCAGTCTGATTTCCCTCTTCCCCCCAAAGGCAAGCAC[G>A]AGGAGCGGCAGGACGAGCATGGCTACATCTCCCGGTGCTTCACGCGGAAATACACGTGAG-3'
Protein context (NP_001531.1, residues 115-135): DGVVEITGKH[Glu125Lys]ERQDEHGYIS